The following is an entry in ClinVar:

NM_001453.3(FOXC1):c.245G>C (p.Ser82Thr)

Genes: FOXC1 (forkhead box C1; plus strand), LOC129995601 (ATAC-STARR-seq lymphoblastoid active region 23864; plus strand). Cytogenetic location: 6p25.3.
Variant type: single nucleotide variant.
Coding change: c.245G>C on transcript NM_001453.3 (MANE Select); coding-DNA position 245, G replaced by C.
Protein change: p.Ser82Thr; replaces serine 82 with threonine.
Molecular consequence: missense variant.
Genome position (GRCh38, 1-based): chr6:1,610,690, G>C. VCF-style: chr6-1610690-G-C. GRCh37 (hg19) VCF-style: chr6-1610925-G-C.
Other names: short protein forms S82T.
Identifiers: ClinVar variation 8458 (VCV000008458.5), dbSNP rs104893953, ClinGen allele CA119639.

ClinVar aggregate classification (germline): Pathogenic/Likely pathogenic. Review status: criteria provided, multiple submitters, no conflicts (2 of 4 stars). 3 submissions from 3 submitters: Pathogenic (1); Likely pathogenic (1). 1 of the submissions does not count toward it. Last evaluated 2024-10-26.

Conditions:
FOXC1-related disorders.
Axenfeld-Rieger syndrome type 3 (RIEG3). Also called: AXENFELD-RIEGER ANOMALY WITH CARDIAC DEFECTS AND/OR SENSORINEURAL HEARING LOSS. Identifiers: Orphanet 782, MedGen C2678503, MONDO:0011233, OMIM 602482.

Allele frequency attached by ClinVar (database versions not stated): gnomAD exomes below 0.00001.

Submissions (3):

Labcorp Genetics (formerly Invitae), Labcorp
Classification: Pathogenic for Axenfeld-Rieger syndrome type 3. Last evaluated: 2024-10-26. Review status: criteria provided, single submitter. Criteria: Invitae Variant Classification Sherloc (09022015). Collection method: clinical testing. Allele origin: germline.
Comment: This sequence change replaces serine, which is neutral and polar, with threonine, which is neutral and polar, at codon 82 of the FOXC1 protein (p.Ser82Thr). This variant is present in population databases (rs104893953, gnomAD 0.0009%). This missense change has been observed in individual(s) with Axenfeld-Rieger syndrome (PMID: 9792859, 24433355). It has also been observed to segregate with disease in related individuals. ClinVar contains an entry for this variant (Variation ID: 8458). Invitae Evidence Modeling of protein sequence and biophysical properties (such as structural, functional, and spatial information, amino acid conservation, physicochemical variation, residue mobility, and thermodynamic stability) indicates that this missense variant is expected to disrupt FOXC1 protein function with a positive predictive value of 95%. Experimental studies have shown that this missense change affects FOXC1 function (PMID: 11179011, 14506133, 32631953). For these reasons, this variant has been classified as Pathogenic.

Blueprint Genetics
Classification: Likely pathogenic for FOXC1-related disorders. Last evaluated: 2024-09-03. Review status: criteria provided, single submitter. Criteria: ACMG Guidelines, 2015. Collection method: clinical testing. Allele origin: germline. Affected: yes. Observed: 1 variant allele.

OMIM
Classification: Pathogenic for AXENFELD-RIEGER SYNDROME, TYPE 3. Last evaluated: 2009-09-01. Review status: no assertion criteria provided. Collection method: literature only. Allele origin: germline. Not counted in ClinVar's aggregate classification.

Literature cited by the submitters: PubMed 9792859 (cited by Labcorp Genetics (formerly Invitae), Labcorp and OMIM); PubMed 24433355 (cited by Labcorp Genetics (formerly Invitae), Labcorp); PubMed 11179011 (cited by Labcorp Genetics (formerly Invitae), Labcorp); PubMed 14506133 (cited by Labcorp Genetics (formerly Invitae), Labcorp); PubMed 32631953 (cited by Labcorp Genetics (formerly Invitae), Labcorp); PubMed 9326342 (cited by OMIM); PubMed 19668217 (cited by OMIM).